The following is an entry in ClinVar:

NM_000535.7(PMS2):c.1183C>T (p.Pro395Ser)

Gene: PMS2 (PMS1 homolog 2, mismatch repair system component; minus strand). Cytogenetic location: 7p22.1.
Variant type: single nucleotide variant.
Coding change: c.1183C>T on transcript NM_000535.7 (MANE Select); coding-DNA position 1183, C replaced by T.
Protein change: p.Pro395Ser; replaces proline 395 with serine.
Molecular consequence: missense variant. On other transcripts: non-coding transcript variant (1).
Genome position (GRCh38, 1-based): chr7:5,987,582, G>A on the plus strand (C>T on the coding strand, the complement: PMS2 is on the minus strand). VCF-style: chr7-5987582-G-A. GRCh37 (hg19) VCF-style: chr7-6027213-G-A.
Other names: c.778C>T, p.Pro260Ser (NM_001322003.2, NM_001322004.2, NM_001322005.2 and 1 more transcripts); c.1027C>T, p.Pro343Ser (NM_001322006.2); c.865C>T, p.Pro289Ser (NM_001322007.2, NM_001322008.2); c.622C>T, p.Pro208Ser (NM_001322010.2); c.250C>T, p.Pro84Ser (NM_001322011.2, NM_001322012.2); c.610C>T, p.Pro204Ser (NM_001322013.2); c.1183C>T, p.Pro395Ser (NM_001322014.2); c.874C>T, p.Pro292Ser (NM_001322015.2); short protein forms P204S, P260S, P292S, P208S, P343S, P395S, P289S, P84S.
Identifiers: ClinVar variation 651708 (VCV000651708.11), dbSNP rs745306528, ClinGen allele CA042444.

ClinVar aggregate classification (germline): Conflicting classifications of pathogenicity. Review status: criteria provided, conflicting classifications (1 of 4 stars). 5 submissions from 5 submitters: Uncertain significance (4); Benign (1). Last evaluated 2025-12-02.

Conditions:
Hereditary cancer-predisposing syndrome. Also called: Neoplastic Syndromes, Hereditary; Hereditary Cancer Syndrome; Tumor predisposition; Hereditary neoplastic syndrome. Identifiers: Orphanet 140162, MedGen C0027672, MeSH D009386, MONDO:0015356.
Hereditary nonpolyposis colorectal neoplasms. Identifiers: MedGen C0009405, MeSH D003123.

Allele frequency attached by ClinVar (database versions not stated): gnomAD exomes below 0.00001 and 0.00001; ExAC 0.00001.
gnomAD v4.1: 4 of 1,610,710 alleles (0.00025%); highest among the groups gnomAD compares: Non-Finnish European, 0.00017%; no homozygotes.

Submissions (5):

Labcorp Genetics (formerly Invitae), Labcorp
Classification: Benign for Hereditary nonpolyposis colorectal neoplasms. Last evaluated: 2025-12-02. Review status: criteria provided, single submitter. Criteria: Invitae Variant Classification Sherloc (09022015). Collection method: clinical testing. Allele origin: germline.

Blueprint Genetics
Classification: Uncertain significance. Last evaluated: 2024-09-03. Review status: criteria provided, single submitter. Criteria: ACMG Guidelines, 2015. Collection method: clinical testing. Allele origin: germline.

Ambry Genetics
Classification: Uncertain significance for Hereditary cancer-predisposing syndrome. Last evaluated: 2024-06-27. Review status: criteria provided, single submitter. Criteria: Ambry Variant Classification Scheme 2023. Collection method: clinical testing. Allele origin: germline.
Comment: The p.P395S variant (also known as c.1183C>T), located in coding exon 11 of the PMS2 gene, results from a C to T substitution at nucleotide position 1183. The proline at codon 395 is replaced by serine, an amino acid with similar properties. This amino acid position is conserved. In addition, the in silico prediction for this alteration is inconclusive. Based on the available evidence, the clinical significance of this variant remains unclear.

Color Diagnostics, LLC DBA Color Health
Classification: Uncertain significance for Hereditary cancer-predisposing syndrome. Last evaluated: 2022-05-06. Review status: criteria provided, single submitter. Criteria: ACMG Guidelines, 2015. Collection method: clinical testing. Allele origin: germline.
Comment: This missense variant replaces proline with serine at codon 395 of the PMS2 protein. Computational prediction suggests that this variant may not impact protein structure and function (internally defined REVEL score threshold <= 0.5, PMID: 27666373). To our knowledge, functional studies have not been reported for this variant. This variant has not been reported in individuals affected with hereditary cancer in the literature. This variant has been identified in 3/248140 chromosomes in the general population by the Genome Aggregation Database (gnomAD). The available evidence is insufficient to determine the role of this variant in disease conclusively. Therefore, this variant is classified as a Variant of Uncertain Significance.

GeneDx
Classification: Uncertain significance. Last evaluated: 2019-11-07. Review status: criteria provided, single submitter. Criteria: GeneDx Variant Classification Process June 2021. Collection method: clinical testing. Allele origin: germline. Affected: yes.
Comment: Not observed at a significant frequency in large population cohorts (Lek 2016); In silico analysis, which includes protein predictors and evolutionary conservation, supports a deleterious effect; Has not been previously published as pathogenic or benign to our knowledge